The following is an entry in ClinVar:

NM_000127.3(EXT1):c.1508_1512del (p.Ala503fs)

Gene: EXT1 (exostosin glycosyltransferase 1; minus strand). Cytogenetic location: 8q24.11.
Variant type: Deletion.
Coding change: c.1508_1512del on transcript NM_000127.3 (MANE Select); coding-DNA positions 1508 to 1512, 5 bases deleted (CTGCA; older notation c.1508_1512delCTGCA).
Protein change: p.Ala503fs; shifts the reading frame from alanine 503.
Molecular consequence: frameshift variant.
Genome position (GRCh38, 1-based): chr8:117,819,700-117,819,704, TGCAG deleted on the plus strand (CTGCA on the coding strand, the reverse complement: EXT1 is on the minus strand). VCF-style (leftmost placement, unchanged base first): chr8-117819699-CTGCAG-C. GRCh37 (hg19) VCF-style: chr8-118831938-CTGCAG-C.
Other names: short protein forms A503fs.
Identifiers: ClinVar variation 2814948 (VCV002814948.3), dbSNP rs2488109042, ClinGen allele CA2739268961.

ClinVar aggregate classification (germline): Pathogenic (1 of 4 stars; one submission).

Conditions:
Multiple congenital exostosis (EXT). Also called: Hereditary multiple exostoses; Hereditary multiple exostosis; Multiple osteochondromas; MULTIPLE CARTILAGINOUS EXOSTOSES; Multiple exostoses; Hereditary multiple osteochondromas. Identifiers: Orphanet 321, MedGen C0015306, MONDO:0005508, HP:0002762.

Submission:

Labcorp Genetics (formerly Invitae), Labcorp
Classification: Pathogenic for Multiple congenital exostosis. Last evaluated: 2023-02-18. Review status: criteria provided, single submitter. Criteria: Invitae Variant Classification Sherloc (09022015). Collection method: clinical testing. Allele origin: germline.
Comment: For these reasons, this variant has been classified as Pathogenic. This variant has not been reported in the literature in individuals affected with EXT1-related conditions. This variant is not present in population databases (gnomAD no frequency). This sequence change creates a premature translational stop signal (p.Ala503Glyfs*16) in the EXT1 gene. It is expected to result in an absent or disrupted protein product. Loss-of-function variants in EXT1 are known to be pathogenic (PMID: 10679937, 11391482, 19810120).

Literature cited by the submitters: PubMed 10679937; PubMed 11391482; PubMed 19810120.